The following is an entry in ClinVar:

ClinVar aggregate classification (germline): Uncertain significance (1 of 4 stars; one submission).

Submission:

GeneDx
Classification: Uncertain significance. Last evaluated: 2024-03-07. Review status: criteria provided, single submitter. Criteria: GeneDx Variant Classification Process June 2021. Collection method: clinical testing. Allele origin: germline. Affected: yes.
Comment: Not observed at significant frequency in large population cohorts (gnomAD); In silico analysis supports that this missense variant does not alter protein structure/function; Has not been previously published as pathogenic or benign to our knowledge

NM_002074.5(GNB1):c.513C>G (p.Ile171Met)

Gene: GNB1 (G protein subunit beta 1; minus strand). Cytogenetic location: 1p36.33.
Variant type: single nucleotide variant.
Coding change: c.513C>G on transcript NM_002074.5 (MANE Select); coding-DNA position 513, C replaced by G.
Protein change: p.Ile171Met; replaces isoleucine 171 with methionine.
Molecular consequence: missense variant.
Genome position (GRCh38, 1-based): chr1:1,790,581, G>C on the plus strand (C>G on the coding strand, the complement: GNB1 is on the minus strand). VCF-style: chr1-1790581-G-C. GRCh37 (hg19) VCF-style: chr1-1722020-G-C.
Other names: c.213C>G, p.Ile71Met (NM_001282538.2); c.513C>G, p.Ile171Met (NM_001282539.2); short protein forms I171M, I71M.
Identifiers: ClinVar variation 3370688 (VCV003370688.1).